The following is an entry in ClinVar:

Conditions:
Arteriohepatic dysplasia. Also called: Alagille Syndrome. Identifiers: Orphanet 52, MedGen C0085280, MeSH D016738, MONDO:0007318.

Submission:

Gilbert/Spinner Lab, Children's Hospital of Philadelphia
No classification provided (evidence only). Condition: Alagille syndrome. Review status: no classification provided. Collection method: research. Allele origin: not applicable. Functional consequence: functionally_abnormal.
ClinVar note: "not provided" was previously submitted as the classification for the variant. However, the classification appeared to be based only on an observation of functional data so it was converted to no classification on 2025-07-30.

NM_000214.3(JAG1):c.618C>A (p.Phe206Leu)

Gene: JAG1 (jagged canonical Notch ligand 1; minus strand). Cytogenetic location: 20p12.2.
Variant type: single nucleotide variant.
Coding change: c.618C>A on transcript NM_000214.3 (MANE Select); coding-DNA position 618, C replaced by A.
Protein change: p.Phe206Leu; replaces phenylalanine 206 with leucine.
Molecular consequence: missense variant.
Genome position (GRCh38, 1-based): chr20:10,658,544, G>T on the plus strand (C>A on the coding strand, the complement: JAG1 is on the minus strand). VCF-style: chr20-10658544-G-T. GRCh37 (hg19) VCF-style: chr20-10639192-G-T.
Other names: short protein forms F206L.
Identifiers: ClinVar variation 3573343 (VCV003573343.2).
Genomic context (GRCh38, chr20:10,658,544, plus strand): 5'-GCCCATCCAGCCTTCCATGCAAGTTTTGTTGCCATTCTGGTCACAGGCATAGTGTCCAAA[G>T]AAGTCATCTCTGGGGCGGCAGAACTTATTGCAGCCAAAGCCATAGTAGTAGTCATCACAG-3'
Protein context (NP_000205.1, residues 196-216): CNKFCRPRDD[Phe206Leu]FGHYACDQNG